The following is an entry in ClinVar:

ClinVar aggregate classification (germline): Uncertain significance (1 of 4 stars; one submission).

Conditions:
Epidermolysis bullosa simplex with nail dystrophy (EBS5D). Identifiers: MedGen C4225309, MONDO:0014661, OMIM 616487.
Epidermolysis bullosa simplex 5C, with pyloric atresia (EBS5C). Also called: PLEC-Related Epidermolysis Bullosa with Pyloric Atresia; Epidermolysis bullosa simplex with pyloric atresia; PLEC1-Related Epidermolysis Bullosa with Pyloric Atresia. Identifiers: Orphanet 158684, MedGen C2677349, MONDO:0012807, OMIM 612138.
Autosomal recessive limb-girdle muscular dystrophy type 2Q (LGMDR17). Also called: MUSCULAR DYSTROPHY, LIMB-GIRDLE, AUTOSOMAL RECESSIVE 17. Identifiers: Orphanet 254361, MedGen C3150989, MONDO:0013390, OMIM 613723.
Epidermolysis bullosa simplex, Ogna type (EBS5A). Also called: Pidermolysis bullosa simplex 5A, Ogna type; EPIDERMOLYSIS BULLOSA SIMPLEX 5A, OGNA TYPE. Identifiers: Orphanet 79401, MedGen C0432317, MONDO:0007555, OMIM 131950.
Epidermolysis bullosa simplex 5B, with muscular dystrophy (EBS5B). Also called: EPIDERMOLYSIS BULLOSA SIMPLEX AND LIMB-GIRDLE MUSCULAR DYSTROPHY; Epidermolysis bullosa simplex with muscular dystrophy. Identifiers: Orphanet 257, MedGen C2931072, MONDO:0009181, OMIM 226670.

Allele frequency attached by ClinVar (database versions not stated): gnomAD exomes below 0.00001.
gnomAD v4.1: 1 of 1,612,914 alleles (0.000062%); highest among the groups gnomAD compares: Non-Finnish European, 0.000085%; no homozygotes.

Submission:

Labcorp Genetics (formerly Invitae), Labcorp
Classification: Uncertain significance for Autosomal recessive limb-girdle muscular dystrophy type 2Q; Epidermolysis bullosa simplex, Ogna type; Epidermolysis bullosa simplex with nail dystrophy; Epidermolysis bullosa simplex 5C, with pyloric atresia; Epidermolysis bullosa simplex 5B, with muscular dystrophy. Last evaluated: 2023-06-09. Review status: criteria provided, single submitter. Criteria: Invitae Variant Classification Sherloc (09022015). Collection method: clinical testing. Allele origin: germline.
Comment: Experimental studies and prediction algorithms are not available or were not evaluated, and the functional significance of this variant is currently unknown. This variant has not been reported in the literature in individuals affected with PLEC-related conditions. This variant is not present in population databases (gnomAD no frequency). This sequence change replaces histidine, which is basic and polar, with tyrosine, which is neutral and polar, at codon 225 of the PLEC protein (p.His225Tyr). In summary, the available evidence is currently insufficient to determine the role of this variant in disease. Therefore, it has been classified as a Variant of Uncertain Significance.

NM_201384.3(PLEC):c.592C>T (p.His198Tyr)

Gene: PLEC (plectin; minus strand). Cytogenetic location: 8q24.3.
Variant type: single nucleotide variant.
Coding change: c.592C>T on transcript NM_201384.3 (MANE Select); coding-DNA position 592, C replaced by T.
Protein change: p.His198Tyr; replaces histidine 198 with tyrosine.
Molecular consequence: missense variant.
Genome position (GRCh38, 1-based): chr8:143,935,858, G>A on the plus strand (C>T on the coding strand, the complement: PLEC is on the minus strand). VCF-style: chr8-143935858-G-A. GRCh37 (hg19) VCF-style: chr8-145010026-G-A.
Other names: c.673C>T, p.His225Tyr (NM_000445.5, NM_001410941.1); c.550C>T, p.His184Tyr (NM_201378.4); c.526C>T, p.His176Tyr (NM_201379.3); c.1003C>T, p.His335Tyr (NM_201380.4); c.496C>T, p.His166Tyr (NM_201381.3); c.592C>T, p.His198Tyr (NM_201382.4); c.604C>T, p.His202Tyr (NM_201383.3); short protein forms H198Y, H225Y, H184Y, H176Y, H335Y, H166Y, H202Y.
Identifiers: ClinVar variation 2935498 (VCV002935498.3), dbSNP rs2539086329, ClinGen allele CA372588188.